The following is an entry in ClinVar:

NM_001352754.2(ARMC9):c.709G>A (p.Asp237Asn)

Gene: ARMC9 (armadillo repeat containing 9; plus strand). Cytogenetic location: 2q37.1.
Variant type: single nucleotide variant.
Coding change: c.709G>A on transcript NM_001352754.2 (MANE Select); coding-DNA position 709, G replaced by A.
Protein change: p.Asp237Asn; replaces aspartic acid 237 with asparagine.
Molecular consequence: missense variant. On other transcripts: non-coding transcript variant (1).
Genome position (GRCh38, 1-based): chr2:231,235,310, G>A. VCF-style: chr2-231235310-G-A. GRCh37 (hg19) VCF-style: chr2-232100023-G-A.
Other names: c.709G>A, p.Asp237Asn (NM_001271466.4, NM_001291656.2, NM_001352755.2 and 5 more transcripts); short protein forms D237N.
Identifiers: ClinVar variation 1034626 (VCV001034626.5), dbSNP rs779229688, ClinGen allele CA350951047.

ClinVar aggregate classification (germline): Uncertain significance (1 of 4 stars; one submission).

Allele frequency attached by ClinVar (database versions not stated): TOPMed 0.00002.
gnomAD v4.1: 23 of 1,614,200 alleles (0.0014%); highest among the groups gnomAD compares: East Asian, 0.0022%; no homozygotes.

Submission:

Labcorp Genetics (formerly Invitae), Labcorp
Classification: Uncertain significance. Last evaluated: 2022-07-29. Review status: criteria provided, single submitter. Criteria: Invitae Variant Classification Sherloc (09022015). Collection method: clinical testing. Allele origin: germline.
Comment: In summary, the available evidence is currently insufficient to determine the role of this variant in disease. Therefore, it has been classified as a Variant of Uncertain Significance. Experimental studies and prediction algorithms are not available or were not evaluated, and the functional significance of this variant is currently unknown. ClinVar contains an entry for this variant (Variation ID: 1034626). This variant has not been reported in the literature in individuals affected with ARMC9-related conditions. This variant is not present in population databases (gnomAD no frequency). This sequence change replaces aspartic acid, which is acidic and polar, with asparagine, which is neutral and polar, at codon 237 of the ARMC9 protein (p.Asp237Asn).